The following continues an entry in ClinVar:

NM_000350.3(ABCA4):c.5714+5G>A

Gene: ABCA4. ClinVar aggregate classification (germline): Pathogenic. Pathogenic (1).

Submissions 9 to 29 of 38:

Victorian Clinical Genetics Services, Murdoch Childrens Research Institute
Classification: Pathogenic for Severe early-childhood-onset retinal dystrophy. Last evaluated: 2024-10-08. Review status: criteria provided, single submitter. Criteria: ACMG Guidelines, 2015. Collection method: clinical testing. Allele origin: germline. Inheritance: Autosomal recessive inheritance. Not counted in ClinVar's aggregate classification.
Comment: Based on the classification scheme VCGS_Germline_v1.3.4, this variant is classified as Pathogenic. Following criteria are met: 0102 - Loss of function is a known mechanism of disease in this gene and is associated with Stargardt disease 1 (MIM#248200) and other inherited retinal diseases (OMIM). (I) 0106 - This gene is associated with autosomal recessive disease. (I) 0115 - Variants in this gene are known to have variable expressivity (PMID: 31522899). (I) 0209 - Splice site variant proven to affect splicing of the transcript with uncertain effect on protein sequence. A mini gene assay showed that this variant led to two products; a correctly spliced one and one with exon 40 skipped (PMID: 29162642). (SP) 0304 - Variant is present in gnomAD <0.01 for a recessive condition (highest allele count: 672 heterozygotes, 0 homozygotes). (SP) 0801 - This variant has strong previous evidence of pathogenicity in unrelated individuals. It has been reported in individuals with Stargardt (PMID: 10958763) and classified as pathogenic by multiple diagnostic laboratories in ClinVar. (SP) Legend: (SP) - Supporting pathogenic, (I) - Information, (SB) - Supporting benign

Dubai Health Genomic Medicine Center, Dubai Health
Classification: Likely pathogenic for Retinal dystrophy. Last evaluated: 2024-10-04. Review status: criteria provided, single submitter. Criteria: ACMG Guidelines, 2015. Collection method: research. Allele origin: germline. Affected: yes. Not counted in ClinVar's aggregate classification.
Comment: PS3,PM3(strong),PM2,PP3

Revvity Omics, Revvity
Classification: Pathogenic. Last evaluated: 2024-09-24. Review status: criteria provided, single submitter. Criteria: ACMG Guidelines, 2015. Collection method: clinical testing. Allele origin: germline. Not counted in ClinVar's aggregate classification.

Fulgent Genetics
Classification: Pathogenic for Age related macular degeneration 2; Severe early-childhood-onset retinal dystrophy; Retinitis pigmentosa 19; Cone-rod dystrophy 3. Last evaluated: 2024-06-06. Review status: criteria provided, single submitter. Criteria: ACMG Guidelines, 2015. Collection method: clinical testing. Allele origin: germline. Not counted in ClinVar's aggregate classification.

Institute of Human Genetics, University of Leipzig Medical Center
Classification: Pathogenic for Severe early-childhood-onset retinal dystrophy. Last evaluated: 2023-08-01. Review status: criteria provided, single submitter. Criteria: ACMG Guidelines, 2015. Collection method: clinical testing. Allele origin: unknown. Inheritance: Autosomal recessive inheritance. Affected: yes. Not counted in ClinVar's aggregate classification.
Comment: Criteria applied: PM3_VSTR,PS4,PS3_MOD,PS1_SUP,PM2_SUP,PP1

Department of Pathology and Laboratory Medicine, Sinai Health System
Classification: Pathogenic for Severe early-childhood-onset retinal dystrophy; Retinitis pigmentosa 19; Cone-rod dystrophy 3. Last evaluated: 2023-07-20. Review status: criteria provided, single submitter. Criteria: ACMG Guidelines, 2015. Collection method: research. Allele origin: germline. Not counted in ClinVar's aggregate classification.

Institute of Human Genetics, Univ. Regensburg, Univ. Regensburg
Classification: Pathogenic for Optic atrophy. Last evaluated: 2023-01-01. Review status: criteria provided, single submitter. Criteria: ACMG Guidelines, 2015. Collection method: clinical testing. Allele origin: germline. Affected: yes. Not counted in ClinVar's aggregate classification.

Institute of Human Genetics, Univ. Regensburg, Univ. Regensburg
Classification: Pathogenic for Retinal dystrophy. Last evaluated: 2023-01-01. Review status: criteria provided, single submitter. Criteria: ACMG Guidelines, 2015. Collection method: clinical testing. Allele origin: germline. Affected: yes. Not counted in ClinVar's aggregate classification.

Ocular Genomics Institute, Massachusetts Eye and Ear
Classification: Pathogenic for Severe early-childhood-onset retinal dystrophy. Last evaluated: 2021-04-08. Review status: criteria provided, single submitter. Criteria: ACMG Guidelines, 2015. Collection method: research. Allele origin: germline. Affected: yes. Not counted in ClinVar's aggregate classification.
Comment: Through a review of available evidence we were able to apply the following criteria: PVS1, PM2, PM3, PP1. Based on this evidence we have classified this variant as Pathogenic.

Institute of Medical Molecular Genetics, University of Zurich
Classification: Likely pathogenic for Severe early-childhood-onset retinal dystrophy. Last evaluated: 2021-01-30. Review status: criteria provided, single submitter. Criteria: ACMG Guidelines, 2015. Collection method: clinical testing. Allele origin: germline. Affected: yes. Not counted in ClinVar's aggregate classification.

Institute of Medical Genetics and Applied Genomics, University Hospital Tübingen
Classification: Pathogenic. Last evaluated: 2020-10-23. Review status: criteria provided, single submitter. Criteria: ACMG Guidelines, 2015. Collection method: clinical testing. Allele origin: germline. Inheritance: Autosomal recessive inheritance. Affected: yes. Not counted in ClinVar's aggregate classification.

Centre for Mendelian Genomics, University Medical Centre Ljubljana
Classification: Pathogenic for Age related macular degeneration 2. Last evaluated: 2019-06-04. Review status: criteria provided, single submitter. Criteria: ACMG Guidelines, 2015. Collection method: clinical testing. Allele origin: unknown. Affected: yes. Not counted in ClinVar's aggregate classification.
Comment: This variant was classified as: Pathogenic. The following ACMG criteria were applied in classifying this variant: PS1,PS3,PM2,PM3,PP3.

Mendelics
Classification: Pathogenic for Severe early-childhood-onset retinal dystrophy. Last evaluated: 2019-05-28. Review status: criteria provided, single submitter. Criteria: Mendelics Assertion Criteria 2017. Collection method: clinical testing. Allele origin: unknown. Not counted in ClinVar's aggregate classification.

Laboratory for Molecular Medicine, Mass General Brigham Personalized Medicine
Classification: Pathogenic for Stargardt disease. Last evaluated: 2019-05-08. Review status: criteria provided, single submitter. Criteria: LMM Criteria. Collection method: clinical testing. Allele origin: germline. Inheritance: Autosomal recessive inheritance. Observed: 1 variant allele. Not counted in ClinVar's aggregate classification.
Comment: The c.5714+5G>A variant in ABCA4 is one of the most common variants in ABCA4 in patients with autosomal recessive Stargardt disease, accounting for up to 16% of disease-causing variants in this gene (Cremers 1998, River 2000, Smaragda 2018, Birtel 2018). It has also been identified in 71/129064 European chromosomes by gnomAD. However, this frequency is low enough to be consistent with a recessive carrier frequency. This variant has also been reported in ClinVar (Variation ID: 99403). This variant is located in the 5' splice region, and in vitro functional studies support an impact on protein function (Rivera 2000, Sangermano 2018). In summary, this variant meets criteria to be classified as pathogenic for autosomal recessive Stargardt disease. ACMG/AMP Criteria applied: PM3_VeryStrong, PVS1_Strong, PP1.

Illumina Laboratory Services, Illumina
Classification: Pathogenic for ABCA4-Related Disorders. Last evaluated: 2018-09-07. Review status: criteria provided, single submitter. Criteria: ICSL Variant Classification Criteria 09 May 2019. Collection method: clinical testing. Allele origin: germline. Not counted in ClinVar's aggregate classification.
Comment: Across a selection of the available literature, the ABCA4 c.5714+5G>A variant, also referred to as IVS40+5G>A, has been identified in 26 individuals with Stargardt disease, including in one homozygote, 20 compound heterozygotes, and five heterozygotes in whom a second variant was not identified, and in six compound heterozygotes with cone-rod dystrophy (Cremers et al. 1998; Rivera et al. 2000; Gerth et al. 2002; Hargitai et al. 2005; Hwang et al. 2009; Cideciyan et al. 2009). The variant was also found in four unaffected family members in a heterozygous state. The variant was absent from 320 control individuals, but is reported at a frequency of 0.00151 in the European American population of the Exome Sequencing Project. RT-PCR analysis of transformed COS-7 cells revealed that the c.5714+5G>A variant generates both a correctly spliced and an incorrectly spliced product, suggesting aberrant splicing with a possibility of some residual activity of the ABCA4 protein (Rivera et al. 2000). Based on the collective evidence, the c.5714+5G>A variant is classified as pathogenic for ABCA4-related disorders. This variant was observed by ICSL as part of a predisposition screen in an ostensibly healthy population.

Eurofins Ntd Llc (ga)
Classification: Pathogenic. Last evaluated: 2016-05-11. Review status: criteria provided, single submitter. Criteria: EGL Classification Definitions 2015. Collection method: clinical testing. Allele origin: germline. Observed: 2 variant alleles, 2 heterozygotes. Not counted in ClinVar's aggregate classification.

Institute of Human Genetics, Univ. Regensburg, Univ. Regensburg
Classification: Pathogenic for Severe early-childhood-onset retinal dystrophy. Last evaluated: 2016-01-01. Review status: criteria provided, single submitter. Criteria: Schulz et al. (Invest Ophthalmol Vis Sci. 2017). Collection method: clinical testing. Allele origin: germline. Affected: yes. Observed: 11 heterozygotes, 1 homozygote. Not counted in ClinVar's aggregate classification.

Genomics England Pilot Project, Genomics England
Classification: Likely pathogenic for Retinitis pigmentosa 19. Review status: criteria provided, single submitter. Criteria: ACGS Guidelines, 2016. Collection method: clinical testing. Allele origin: germline. Affected: yes. Not counted in ClinVar's aggregate classification.

Sharon lab, Hadassah-Hebrew University Medical Center
Classification: Pathogenic for Stargardt disease. Last evaluated: 2019-06-23. Review status: no assertion criteria provided. Collection method: research. Allele origin: inherited. Affected: yes. Not counted in ClinVar's aggregate classification.

Department of Clinical Genetics, Copenhagen University Hospital, Rigshospitalet
Classification: Likely pathogenic for Stargardt disease. Last evaluated: 2018-04-01. Review status: no assertion criteria provided. Collection method: research. Allele origin: unknown. Affected: yes. Study: VeluxRD. Not counted in ClinVar's aggregate classification.

Rui Chen Lab, Baylor College of Medicine
Classification: Pathogenic for Stargardt disease. Last evaluated: 2017-05-09. Review status: no assertion criteria provided. Collection method: research. Allele origin: germline. Affected: yes. Not counted in ClinVar's aggregate classification.
Comment: An in vitrominigene system was used to confirm that the variant disrupts splicing